The following is an entry in ClinVar:

NM_005515.4(MNX1):c.955G>A (p.Gly319Ser)

Gene: MNX1 (motor neuron and pancreas homeobox 1; minus strand). Cytogenetic location: 7q36.3.
Variant type: single nucleotide variant.
Coding change: c.955G>A on transcript NM_005515.4 (MANE Select); coding-DNA position 955, G replaced by A.
Protein change: p.Gly319Ser; replaces glycine 319 with serine.
Molecular consequence: missense variant.
Genome position (GRCh38, 1-based): chr7:157,005,771, C>T on the plus strand (G>A on the coding strand, the complement: MNX1 is on the minus strand). VCF-style: chr7-157005771-C-T. GRCh37 (hg19) VCF-style: chr7-156798465-C-T.
Other names: c.955G>A (NM_005515.3); c.319G>A, p.Gly107Ser (NM_001165255.2); short protein forms G319S, G107S.
Identifiers: ClinVar variation 1489999 (VCV001489999.7), dbSNP rs2134838589, ClinGen allele CA370161791.

ClinVar aggregate classification (germline): Uncertain significance. Review status: criteria provided, multiple submitters, no conflicts (2 of 4 stars). 2 submissions from 2 submitters: Uncertain significance (2). Last evaluated 2025-02-18.

Conditions:
Inborn genetic diseases. Identifiers: MedGen C0950123, MeSH D030342.

Submissions (2):

Ambry Genetics
Classification: Uncertain significance for Inborn genetic diseases. Last evaluated: 2025-02-18. Review status: criteria provided, single submitter. Criteria: Ambry Variant Classification Scheme 2023. Collection method: clinical testing. Allele origin: germline.

Labcorp Genetics (formerly Invitae), Labcorp
Classification: Uncertain significance. Last evaluated: 2022-07-26. Review status: criteria provided, single submitter. Criteria: Invitae Variant Classification Sherloc (09022015). Collection method: clinical testing. Allele origin: germline.
Comment: Algorithms developed to predict the effect of missense changes on protein structure and function (SIFT, PolyPhen-2, Align-GVGD) all suggest that this variant is likely to be tolerated. In summary, the available evidence is currently insufficient to determine the role of this variant in disease. Therefore, it has been classified as a Variant of Uncertain Significance. ClinVar contains an entry for this variant (Variation ID: 1489999). This variant has not been reported in the literature in individuals affected with MNX1-related conditions. This variant is not present in population databases (gnomAD no frequency). This sequence change replaces glycine, which is neutral and non-polar, with serine, which is neutral and polar, at codon 319 of the MNX1 protein (p.Gly319Ser).